The following is an entry in ClinVar:

ClinVar aggregate classification (germline): Pathogenic. Review status: criteria provided, multiple submitters, no conflicts (2 of 4 stars). 3 submissions from 3 submitters: Pathogenic (2). 1 of the submissions does not count toward it. Last evaluated 2024-10-08.

Conditions:
Mitochondrial trifunctional protein deficiency 2 (MTPD2). Identifiers: MedGen C5830374, MONDO:0958185, OMIM 620300.

Submissions (3):

Undiagnosed Diseases Program Translational Research Laboratory, National Institutes of Health
Classification: Pathogenic for Mitochondrial trifunctional protein deficiency 2. Last evaluated: 2024-10-08. Review status: criteria provided, single submitter. Criteria: UDP ClinVar Assertion WDR37 050619. Collection method: clinical testing. Allele origin: paternal. Inheritance: Autosomal recessive inheritance. Affected: yes.
Comment: This is a part of a compound heterozygous variants. There is also biochemical evidence of Trifunctional protein deficiency in affected family members.

GeneDx
Classification: Pathogenic. Last evaluated: 2014-07-11. Review status: criteria provided, single submitter. Criteria: GeneDx Variant Classification (06012015). Collection method: clinical testing. Allele origin: germline. Affected: yes.
Comment: The c.1059delT mutation in the HADHB gene causes a frameshift starting with codon Glycine 354, changes this amino acid to an Aspartic Acid residue and creates a premature Stop codon at position 10 of the new reading frame, denoted p.Gly354AspfsX10. This mutation is predicted to cause loss of normal protein function either through protein truncation or nonsense-mediated mRNA decay. Although this mutation has not been previously reported to our knowledge, it is expected to be a pathogenic mutation. The variant is found in HADHB panel(s).

Undiagnosed Diseases Network, NIH
Classification: Pathogenic for Mitochondrial trifunctional protein deficiency 2. Last evaluated: 2023-01-10. Review status: no assertion criteria provided. Collection method: clinical testing. Allele origin: paternal. Affected: yes. Observed: 2 variant alleles, 2 compound heterozygotes. Clinical features observed: Lethargy (HP:0001254), Fetal growth restriction (HP:0001511), Decreased total neutrophil count (HP:0001875), Anemia (HP:0001903), Neonatal hypoglycemia (HP:0001998), Pregnancy history (HP:0002686), Lactic acidosis (HP:0003128), Temperature instability (HP:0005968), Primary Caesarian section (HP:0030363), Focal segmental glomerulosclerosis (HP:0000097), Nephrotic syndrome (HP:0000100), Microcephaly (HP:0000252), and 23 more. Study: Undiagnosed Diseases Network (NIH), UDN. Not counted in ClinVar's aggregate classification.

NM_000183.3(HADHB):c.1059del (p.Gly354fs)

Gene: HADHB (hydroxyacyl-CoA dehydrogenase trifunctional multienzyme complex subunit beta; plus strand). Cytogenetic location: 2p23.3.
Variant type: Deletion.
Coding change: c.1059del on transcript NM_000183.3 (MANE Select); coding-DNA position 1059, one base deleted (T; older notation c.1059delT).
Protein change: p.Gly354fs; shifts the reading frame from glycine 354.
Molecular consequence: frameshift variant.
Genome position (GRCh38, 1-based): chr2:26,283,049, T deleted; the last of 2 consecutive T bases (chr2:26,283,048-26,283,049); deleting either gives the same sequence. VCF-style (leftmost placement, unchanged base first): chr2-26283047-CT-C. GRCh37 (hg19) VCF-style: chr2-26505915-CT-C.
Other names: p.G354Dfs*10; p.(G354Dfs*10); c.1014del, p.Gly339fs (NM_001281512.2); c.993del, p.Gly332fs (NM_001281513.2); c.1059del (NM_000183.2); short protein forms G339fs, G354fs, G332fs.
Identifiers: ClinVar variation 203752 (VCV000203752.4), dbSNP rs796051974, ClinGen allele CA312594.